The following is an entry in ClinVar:

NM_144670.6(A2ML1):c.3343C>T (p.Pro1115Ser)

Gene: A2ML1 (alpha-2-macroglobulin like 1; plus strand). Cytogenetic location: 12p13.31.
Variant type: single nucleotide variant.
Coding change: c.3343C>T on transcript NM_144670.6 (MANE Select); coding-DNA position 3343, C replaced by T.
Protein change: p.Pro1115Ser; replaces proline 1115 with serine.
Molecular consequence: missense variant.
Genome position (GRCh38, 1-based): chr12:8,861,138, C>T. VCF-style: chr12-8861138-C-T. GRCh37 (hg19) VCF-style: chr12-9013734-C-T.
Other names: c.1870C>T, p.Pro624Ser (NM_001282424.3); short protein forms P1115S, P624S.
Identifiers: ClinVar variation 987844 (VCV000987844.12), dbSNP rs372562512, ClinGen allele CA6436358.
Genomic context (GRCh38, chr12:8,861,138, plus strand): 5'-ACTTGCCATTTTTAAAGGAATGCCTTATAAGTTATAGTCTTCATCTTCACTTTTTAGGAC[C>T]CAATGGTGAGTCAGGGTCTACGGTGTCTCAAGAATTCGGCCACCTCCACGACCAACCTCT-3'
Protein context (NP_653271.3, residues 1105-1125): LLEMGKDVDD[Pro1115Ser]MVSQGLRCLK

ClinVar aggregate classification (germline): Uncertain significance. Review status: criteria provided, multiple submitters, no conflicts (2 of 4 stars). 2 submissions from 2 submitters: Uncertain significance (2). Last evaluated 2025-12-03.

Allele frequency attached by ClinVar (database versions not stated): TOPMed 0.00001; ExAC 0.00002; gnomAD exomes 0.00002; gnomAD 0.00003; ESP Exome Variant Server 0.00008.
gnomAD v4.1: 69 of 1,613,922 alleles (0.0043%); highest among the groups gnomAD compares: Non-Finnish European, 0.0055%; no homozygotes.

Submissions (2):

Labcorp Genetics (formerly Invitae), Labcorp
Classification: Uncertain significance. Last evaluated: 2025-12-03. Review status: criteria provided, single submitter. Criteria: Invitae Variant Classification Sherloc (09022015). Collection method: clinical testing. Allele origin: germline.
Comment: This sequence change replaces proline, which is neutral and non-polar, with serine, which is neutral and polar, at codon 1115 of the A2ML1 protein (p.Pro1115Ser). This variant is present in population databases (rs372562512, gnomAD 0.004%). This variant has not been reported in the literature in individuals affected with A2ML1-related conditions. ClinVar contains an entry for this variant (Variation ID: 987844). An algorithm developed to predict the effect of missense changes on protein structure and function outputs the following: PolyPhen-2: "Benign". The serine amino acid residue is found in multiple mammalian species, which suggests that this missense change does not adversely affect protein function. In summary, the available evidence is currently insufficient to determine the role of this variant in disease. Therefore, it has been classified as a Variant of Uncertain Significance.

Women's Health and Genetics/Laboratory Corporation of America, LabCorp
Classification: Uncertain significance. Last evaluated: 2023-01-03. Review status: criteria provided, single submitter. Criteria: LabCorp Variant Classification Summary - May 2015. Collection method: clinical testing. Allele origin: germline.
Comment: Variant summary: A2ML1 c.3343C>T (p.Pro1115Ser) results in a non-conservative amino acid change located in the Alpha-macroglobulin-like, TED domain (IPR011626) of the encoded protein sequence. Three of five in-silico tools predict a benign effect of the variant on protein function. The variant allele was found at a frequency of 2e-05 in 249378 control chromosomes. The available data on variant occurrences in the general population are insufficient to allow any conclusion about variant significance. To our knowledge, c.3343C>T has not been reported in the literature in individuals affected with Noonan Syndrome nor has experimental evidence demonstrating an impact on protein function has been reported. One clinical diagnostic laboratory has submitted clinical-significance assessments for this variant to ClinVar after 2014 without evidence for independent evaluation. One laboratory classified the variant as uncertain significance. Based on the evidence outlined above, the variant was classified as uncertain significance.

Literature cited by the submitters: PubMed 24448499 (cited by Women's Health and Genetics/Laboratory Corporation of America, LabCorp).